The following is an entry in ClinVar:

NM_002691.4(POLD1):c.2179A>G (p.Met727Val)

Gene: POLD1 (DNA polymerase delta 1, catalytic subunit; plus strand). Cytogenetic location: 19q13.33.
Variant type: single nucleotide variant.
Coding change: c.2179A>G on transcript NM_002691.4 (MANE Select); coding-DNA position 2179, A replaced by G.
Protein change: p.Met727Val; replaces methionine 727 with valine.
Molecular consequence: missense variant. On other transcripts: non-coding transcript variant (1).
Genome position (GRCh38, 1-based): chr19:50,413,450, A>G. VCF-style: chr19-50413450-A-G. GRCh37 (hg19) VCF-style: chr19-50916707-A-G.
Other names: c.2179A>G, p.Met727Val (NM_001256849.1); c.2257A>G, p.Met753Val (NM_001308632.1); short protein forms M727V, M753V.
Identifiers: ClinVar variation 2799139 (VCV002799139.3), dbSNP rs2514035491, ClinGen allele CA406983530.

ClinVar aggregate classification (germline): Uncertain significance (1 of 4 stars; one submission).

Conditions:
POLD1-related polyposis and colorectal cancer syndrome (CRCS10). Also called: Colorectal cancer 10; Colorectal cancer, susceptibility to, 10; COLORECTAL CANCER, SUSCEPTIBILITY TO, ON CHROMOSOME 19q. Identifiers: Orphanet 220460, MedGen C2675481, MONDO:0012953, OMIM 612591.

Submission:

Labcorp Genetics (formerly Invitae), Labcorp
Classification: Uncertain significance for POLD1-related polyposis and colorectal cancer syndrome. Last evaluated: 2022-12-11. Review status: criteria provided, single submitter. Criteria: Invitae Variant Classification Sherloc (09022015). Collection method: clinical testing. Allele origin: germline.
Comment: In summary, the available evidence is currently insufficient to determine the role of this variant in disease. Therefore, it has been classified as a Variant of Uncertain Significance. Advanced modeling of protein sequence and biophysical properties (such as structural, functional, and spatial information, amino acid conservation, physicochemical variation, residue mobility, and thermodynamic stability) performed at Invitae indicates that this missense variant is expected to disrupt POLD1 protein function. This variant has not been reported in the literature in individuals affected with POLD1-related conditions. This variant is not present in population databases (gnomAD no frequency). This sequence change replaces methionine, which is neutral and non-polar, with valine, which is neutral and non-polar, at codon 727 of the POLD1 protein (p.Met727Val).